The following is an entry in ClinVar:

ClinVar aggregate classification (germline): Uncertain significance (1 of 4 stars; one submission).

Conditions:
Creatine transporter deficiency (CCDS1). Also called: Mental retardation , X-linked with seizures, short stature and midface hypoplasia; Mental retardation , X-linked, with creatine transport deficiency; X-linked creatine transporter deficiency; X-linked creatine deficiency syndrome; SLC6A8-Related Creatine Transporter Deficiency; CREATINE TRANSPORTER DEFECT. Identifiers: Orphanet 52503, MedGen C1845862, MONDO:0010305, OMIM 300352.

Submission:

Labcorp Genetics (formerly Invitae), Labcorp
Classification: Uncertain significance for Creatine transporter deficiency. Last evaluated: 2022-08-08. Review status: criteria provided, single submitter. Criteria: Invitae Variant Classification Sherloc (09022015). Collection method: clinical testing. Allele origin: germline.
Comment: In summary, the available evidence is currently insufficient to determine the role of this variant in disease. Therefore, it has been classified as a Variant of Uncertain Significance. Advanced modeling of protein sequence and biophysical properties (such as structural, functional, and spatial information, amino acid conservation, physicochemical variation, residue mobility, and thermodynamic stability) performed at Invitae indicates that this missense variant is not expected to disrupt SLC6A8 protein function. This variant has not been reported in the literature in individuals affected with SLC6A8-related conditions. This variant is not present in population databases (gnomAD no frequency). This sequence change replaces methionine, which is neutral and non-polar, with lysine, which is basic and polar, at codon 138 of the SLC6A8 protein (p.Met138Lys).

NM_005629.4(SLC6A8):c.413T>A (p.Met138Lys)

Gene: SLC6A8 (solute carrier family 6 member 8; plus strand). Cytogenetic location: Xq28.
Variant type: single nucleotide variant.
Coding change: c.413T>A on transcript NM_005629.4 (MANE Select); coding-DNA position 413, T replaced by A.
Protein change: p.Met138Lys; replaces methionine 138 with lysine.
Molecular consequence: missense variant.
Genome position (GRCh38, 1-based): chrX:153,691,322, T>A. VCF-style: chrX-153691322-T-A. GRCh37 (hg19) VCF-style: chrX-152956777-T-A.
Other names: c.413T>A, p.Met138Lys (NM_001142805.2); c.68T>A, p.Met23Lys (NM_001142806.1); short protein forms M138K, M23K.
Identifiers: ClinVar variation 1714372 (VCV001714372.5), dbSNP rs2522155760, ClinGen allele CA415078363.